The following is an entry in ClinVar:

NM_002354.3(EPCAM):c.501G>A (p.Gln167=)

Gene: EPCAM (epithelial cell adhesion molecule; plus strand). Cytogenetic location: 2p21.
Variant type: single nucleotide variant.
Coding change: c.501G>A on transcript NM_002354.3 (MANE Select); coding-DNA position 501, G replaced by A.
Protein change: p.Gln167=; no amino-acid change (glutamine 167 retained).
Molecular consequence: synonymous variant.
Genome position (GRCh38, 1-based): chr2:47,377,023, G>A. VCF-style: chr2-47377023-G-A. GRCh37 (hg19) VCF-style: chr2-47604162-G-A.
Identifiers: ClinVar variation 215815 (VCV000215815.18), dbSNP rs754990754, ClinGen allele CA336699.
Genomic context (GRCh38, chr2:47,377,023, plus strand): 5'-GTTGTGTGGTACAAACATTTTTTTTTAATACAGATTTTAAATTCTTTACAGTGCACTTCA[G>A]AAGGAGATCACAACGCGTTATCAACTGGATCCAAAATTTATCACGAGTATTTTGGTATGA-3'
Protein context (NP_002345.2, residues 157-177): YDSKSLRTAL[Gln167=]KEITTRYQLD

ClinVar aggregate classification (germline): Benign/Likely benign. Review status: criteria provided, multiple submitters, no conflicts (2 of 4 stars). 5 submissions from 5 submitters: Benign (1); Likely benign (4). Last evaluated 2026-01-01.

Conditions:
Hereditary cancer-predisposing syndrome. Also called: Tumor predisposition; Neoplastic Syndromes, Hereditary; Hereditary Cancer Syndrome; Hereditary neoplastic syndrome. Identifiers: Orphanet 140162, MedGen C0027672, MeSH D009386, MONDO:0015356.
Lynch syndrome 8 (LYNCH8). Also called: Colorectal cancer, hereditary nonpolyposis, type 8. Identifiers: Orphanet 144, MedGen C2750471, MONDO:0013196, OMIM 613244.

Allele frequency attached by ClinVar (database versions not stated): ExAC 0.00003; gnomAD 0.00004 and 0.00005; TOPMed 0.00004; gnomAD exomes 0.00005 and 0.00006.

Submissions (5):

CeGaT Center for Human Genetics Tuebingen
Classification: Likely benign. Last evaluated: 2026-01-01. Review status: criteria provided, single submitter. Criteria: CeGaT Center For Human Genetics Tuebingen Variant Classification Criteria Version 2. Collection method: clinical testing. Allele origin: germline. Affected: yes. Observed: 1 variant allele.
Comment: EPCAM: BP4, BP7

KCCC/NGS Laboratory, Kuwait Cancer Control Center
Classification: Benign for Lynch syndrome 8. Last evaluated: 2025-02-01. Review status: criteria provided, single submitter. Criteria: ACMG Guidelines, 2015. Collection method: clinical testing. Allele origin: germline. Affected: no.

Blueprint Genetics
Classification: Likely benign. Last evaluated: 2024-06-05. Review status: criteria provided, single submitter. Criteria: ACMG Guidelines, 2015. Collection method: clinical testing. Allele origin: germline.

Ambry Genetics
Classification: Likely benign for Hereditary cancer-predisposing syndrome. Last evaluated: 2022-02-12. Review status: criteria provided, single submitter. Criteria: Ambry Variant Classification Scheme 2023. Collection method: clinical testing. Allele origin: germline.

Labcorp Genetics (formerly Invitae), Labcorp
Classification: Likely benign. Last evaluated: 2015-10-30. Review status: criteria provided, single submitter. Criteria: Invitae Variant Classification Sherloc (09022015). Collection method: clinical testing. Allele origin: germline.